The following is an entry in ClinVar:

NM_001025603.2(RFX5):c.555+1G>C

Gene: RFX5 (regulatory factor X5; minus strand). Cytogenetic location: 1q21.3.
Variant type: single nucleotide variant.
Coding change: c.555+1G>C on transcript NM_001025603.2 (MANE Select); the canonical splice donor site of the intron after coding-DNA position 555, G replaced by C.
Molecular consequence: splice donor variant.
Genome position (GRCh38, 1-based): chr1:151,344,196, C>G on the plus strand (G>C on the coding strand, the complement: RFX5 is on the minus strand). VCF-style: chr1-151344196-C-G. GRCh37 (hg19) VCF-style: chr1-151316672-C-G.
Other names: c.435+1G>C (NM_001379419.1, NM_001379420.1); c.555+1G>C (NM_000449.4, NM_001379413.1, NM_001379417.1 and 5 more transcripts).
Identifiers: ClinVar variation 1683249 (VCV001683249.1), dbSNP rs367771361, ClinGen allele CA341939680.

ClinVar aggregate classification (germline): Likely pathogenic (1 of 4 stars; one submission).

Conditions:
MHC class II deficiency. Also called: Bare lymphocyte syndrome 2; BLS, TYPE II. Identifiers: Orphanet 572, MedGen C5447452, MONDO:0008855.

Submission:

Women's Health and Genetics/Laboratory Corporation of America, LabCorp
Classification: Likely pathogenic for MHC class II deficiency. Last evaluated: 2022-04-14. Review status: criteria provided, single submitter. Criteria: LabCorp Variant Classification Summary - May 2015. Collection method: clinical testing. Allele origin: germline.
Comment: Variant summary: RFX5 c.555+1G>C alters a conserved nucleotide located in a canonical splice-site and is predicted to affect mRNA splicing resulting in a significantly altered protein due to either exon skipping, shortening, or inclusion of intronic material. Several computational tools predict a significant impact on normal splicing: Four predict the variant abolishes the canonical 5' splicing donor site. However, these predictions have yet to be confirmed by functional studies. The variant was absent in 251416 control chromosomes. To our knowledge, no occurrence of c.555+1G>C in individuals affected with Bare Lymphocyte Syndrome 2 - RFX5 Related and no experimental evidence demonstrating its impact on protein function have been reported. No clinical diagnostic laboratories have submitted clinical-significance assessments for this variant to ClinVar after 2014. Based on the evidence outlined above, the variant was classified as likely pathogenic.